The following is an entry in ClinVar:

ClinVar aggregate classification (germline): Uncertain significance (1 of 4 stars; one submission).

Conditions:
Von Hippel-Lindau syndrome (VHLS). Also called: Von Hippel-Lindau; von Hippel–Lindau syndrome; VHL syndrome. Identifiers: Orphanet 892, MedGen C0019562, MONDO:0008667, OMIM 193300. Disease mechanism: loss of function.

gnomAD v4.1: 1 of 1,533,660 alleles (0.000065%); highest among the groups gnomAD compares: African/African-American, 0.0014%; no homozygotes.

Submission:

All of Us Research Program, National Institutes of Health
Classification: Uncertain significance for Von Hippel-Lindau syndrome. Last evaluated: 2024-09-23. Review status: criteria provided, single submitter. Criteria: ACMG Guidelines, 2015. Collection method: clinical testing. Allele origin: germline. Inheritance: Autosomal dominant inheritance. Observed: 2 variant alleles, 2 heterozygotes.
Comment: This study involves interpretation of variants in research participants for the purpose of population health screening. Participant phenotype was not available at the time of variant classification. Additional details can be found in publication PMID: 35346344, PMCID: PMC8962531

NM_000551.4(VHL):c.35A>T (p.Glu12Val)

Gene: VHL (von Hippel-Lindau tumor suppressor; plus strand). Cytogenetic location: 3p25.3.
Variant type: single nucleotide variant.
Coding change: c.35A>T on transcript NM_000551.4 (MANE Select); coding-DNA position 35, A replaced by T.
Protein change: p.Glu12Val; replaces glutamic acid 12 with valine.
Molecular consequence: missense variant. On other transcripts: non-coding transcript variant (1).
Genome position (GRCh38, 1-based): chr3:10,141,882, A>T. VCF-style: chr3-10141882-A-T. GRCh37 (hg19) VCF-style: chr3-10183566-A-T.
Other names: c.35A>T, p.Glu12Val (NM_001354723.2, NM_198156.3); short protein forms E12V.
Identifiers: ClinVar variation 3071712 (VCV003071712.2), dbSNP rs1380706798, ClinGen allele CA351747133.
Genomic context (GRCh38, chr3:10,141,882, plus strand): 5'-CCCGGGTGGTCTGGATCGCGGAGGGAATGCCCCGGAGGGCGGAGAACTGGGACGAGGCCG[A>T]GGTAGGCGCGGAGGAGGCAGGCGTCGAAGAGTACGGCCCTGAAGAAGACGGCGGGGAGGA-3'
Protein context (NP_000542.1, residues 2-22): PRRAENWDEA[Glu12Val]VGAEEAGVEE